The following is an entry in ClinVar:

ClinVar aggregate classification (germline): Pathogenic/Likely pathogenic. Review status: criteria provided, multiple submitters, no conflicts (2 of 4 stars). 14 submissions from 14 submitters: Pathogenic (12); Likely pathogenic (1). 1 of the submissions does not count toward it. Last evaluated 2026-09-03.

Conditions:
Inherited breast cancer and ovarian cancer.
RAD51D-related cancer predisposition. Identifiers: MedGen CN377763, MONDO:0700274.
Hereditary cancer-predisposing syndrome. Also called: Tumor predisposition; Hereditary neoplastic syndrome; Hereditary Cancer Syndrome; Neoplastic Syndromes, Hereditary. Identifiers: Orphanet 140162, MedGen C0027672, MeSH D009386, MONDO:0015356.
Hereditary breast ovarian cancer syndrome. Also called: Hereditary breast and ovarian cancer syndrome; BRCA1- and BRCA2-Associated Hereditary Breast and Ovarian Cancer; Hereditary breast and/or ovarian cancer syndrome; Hereditary breast and ovarian cancer syndrome (HBOC); Breast and ovarian cancer; Hereditary breast and ovarian cancer. Identifiers: Orphanet 145, MedGen C0677776, MeSH D061325, MONDO:0003582. Disease mechanism: loss of function.
Breast-ovarian cancer, familial, susceptibility to, 4. Identifiers: Orphanet 145, MedGen C3280345, MONDO:0013669, OMIM 614291.

Allele frequency attached by ClinVar (database versions not stated): ExAC 0.00001; gnomAD 0.00001; gnomAD exomes 0.00001; TOPMed 0.00001.
gnomAD v4.1: 12 of 1,614,036 alleles (0.00074%); highest among the groups gnomAD compares: Non-Finnish European, 0.001%; no homozygotes.

Submissions (14):

Genetics Laboratory, Great Ormond Street Hospital NHS Foundation Trust, North Thames Genomic Laboratory Hub
Classification: Likely pathogenic for Inherited breast cancer and ovarian cancer. Last evaluated: 2026-09-03. Review status: criteria provided, single submitter. Criteria: CanVIG RAD51CD Gene Specific V1.2. Collection method: clinical testing. Allele origin: germline. Affected: yes.
Comment: PVS1_very-strong, PM5_supporting

Labcorp Genetics (formerly Invitae), Labcorp
Classification: Pathogenic for Breast-ovarian cancer, familial, susceptibility to, 4. Last evaluated: 2026-01-14. Review status: criteria provided, single submitter. Criteria: Invitae Variant Classification Sherloc (09022015). Collection method: clinical testing. Allele origin: germline.
Comment: This sequence change creates a premature translational stop signal (p.Trp268*) in the RAD51D gene. It is expected to result in an absent or disrupted protein product. Loss-of-function variants in RAD51D are known to be pathogenic (PMID: 21822267). This variant is present in population databases (rs750219200, gnomAD 0.002%). This premature translational stop signal has been observed in individual(s) with ovarian cancer (PMID: 21822267, 23372765). ClinVar contains an entry for this variant (Variation ID: 410552). For these reasons, this variant has been classified as Pathogenic.

Variantyx, Inc.
Classification: Pathogenic for Breast-ovarian cancer, familial, susceptibility to, 4. Last evaluated: 2026-01-14. Review status: criteria provided, single submitter. Criteria: Variantyx Assertion Criteria 2022. Collection method: clinical testing. Allele origin: germline. Inheritance: Autosomal dominant inheritance. Affected: yes.
Comment: This is a nonsense variant in the RAD51D gene (OMIM: 602954). Pathogenic variants in this gene have been associated with autosomal dominant susceptibility to familial breast and ovarian cancer 4. This variant introduces a premature termination codon in exon 9 out of 10 and is expected to result in loss of function, which is a known disease mechanism for RAD51D in this disorder (PMID: 32359370) (PVS1). This variant has been reported in several unrelated affected individuals (PMID: 21822267, 23372765) (PS4_Moderate), and it has a 0.0010% maximum allele frequency in non-founder control populations (PM2). Based on the current evidence, this variant is classified as pathogenic for autosomal dominant susceptibility to familial breast and ovarian cancer 4.

Quest Diagnostics Nichols Institute San Juan Capistrano
Classification: Pathogenic. Last evaluated: 2024-10-31. Review status: criteria provided, single submitter. Criteria: Quest Diagnostics criteria. Collection method: clinical testing. Allele origin: unknown.
Comment: The RAD51D c.803G>A (p.Trp268*) variant causes the premature termination of RAD51D protein synthesis. This variant has been reported in the published literature in affected individuals with breast and/or ovarian cancer (PMIDs: 21822267 (2011), 25445424 (2015), 26556299 (2016), 32107557 (2020), 33047316 (2021), 34326862 (2021), and 34887416 (2021)). In a large scale breast cancer association study, this variant has been observed in 2 breast cancer cases (PMID: 33471991 (2021), see also LOVD). Based on the available information, this variant is classified as pathogenic.

Department of Pathology and Laboratory Medicine, Sinai Health System
Classification: Pathogenic for Breast-ovarian cancer, familial, susceptibility to, 4. Last evaluated: 2024-10-02. Review status: criteria provided, single submitter. Criteria: ACMG Guidelines, 2015. Collection method: clinical testing. Allele origin: germline.

Color Diagnostics, LLC DBA Color Health
Classification: Pathogenic for Hereditary cancer-predisposing syndrome. Last evaluated: 2024-09-17. Review status: criteria provided, single submitter. Criteria: ACMG Guidelines, 2015. Collection method: clinical testing. Allele origin: germline.
Comment: This variant changes 1 nucleotide in exon 9 of the RAD51D gene, creating a premature translation stop signal. This variant is expected to result in an absent or non-functional protein product. This variant has been reported in individuals affected with ovarian cancer (PMID: 21822267, 23372765, 25445424 ). This variant has been identified in 2/251428 chromosomes in the general population by the Genome Aggregation Database (gnomAD). Loss of RAD51D function is a known mechanism of disease. Based on the available evidence, this variant is classified as Pathogenic.

Ambry Genetics
Classification: Pathogenic for Hereditary cancer-predisposing syndrome. Last evaluated: 2024-04-23. Review status: criteria provided, single submitter. Criteria: Ambry Variant Classification Scheme 2023. Collection method: clinical testing. Allele origin: germline.
Comment: The p.W268* pathogenic mutation (also known as c.803G>A), located in coding exon 9 of the RAD51D gene, results from a G to A substitution at nucleotide position 803. This changes the amino acid from a tryptophan to a stop codon within coding exon 9. This variant is considered to be rare based on population cohorts in the Genome Aggregation Database (gnomAD). In addition to the clinical data presented in the literature, this alteration is expected to result in loss of function by premature protein truncation or nonsense-mediated mRNA decay. As such, this alteration is interpreted as a disease-causing mutation.

Institute for Genomic Medicine (IGM) Clinical Laboratory, Nationwide Children's Hospital
Classification: Pathogenic for RAD51D-related cancer predisposition. Last evaluated: 2024-01-12. Review status: criteria provided, single submitter. Criteria: ACMG Guidelines, 2015. Collection method: clinical testing. Allele origin: germline.
Comment: This variant is predicted to result in loss of function through nonsense-mediated decay of the encoded transcript or premature truncation of the encoded protein in a gene in which loss of function is a known mechanism of disease (ACMG/AMP: PVS1; PMIDs:21822267, 32359370). This variant has been reported at an elevated frequency in affected individuals/in multiple affected individuals in the literature (ACMG/AMP: PS4; PMIDs:21822267, 23372765, 37628581, 37444530). This variant is absent from or present at an exceedingly low frequency in gnomAD, a large-scale control population database (ACMG/AMP: PM2).

Myriad Genetics, Inc.
Classification: Pathogenic for Breast-ovarian cancer, familial, susceptibility to, 4. Last evaluated: 2024-01-05. Review status: criteria provided, single submitter. Criteria: Myriad Autosomal Dominant, Autosomal Recessive and X-Linked Classification Criteria (2023). Collection method: clinical testing. Allele origin: unknown.
Comment: This variant is considered pathogenic. This variant creates a termination codon and is predicted to result in premature protein truncation.

Women's Health and Genetics/Laboratory Corporation of America, LabCorp
Classification: Pathogenic for Hereditary breast ovarian cancer syndrome. Last evaluated: 2023-11-20. Review status: criteria provided, single submitter. Criteria: LabCorp Variant Classification Summary - May 2015. Collection method: clinical testing. Allele origin: germline.
Comment: Variant summary: RAD51D c.803G>A (p.Trp268X) results in a premature termination codon, predicted to cause a truncation of the encoded protein or absence of the protein due to nonsense mediated decay, which are commonly known mechanisms for disease. The variant allele was found at a frequency of 8e-06 in 251428 control chromosomes. c.803G>A has been reported in the literature in individuals affected with Ovarian cancer (example: Loveday_2011, etc). Six submitters have cited clinical-significance assessments for this variant to ClinVar after 2014. All submitters classified the variant as pathogenic. Based on the evidence outlined above, the variant was classified as pathogenic.

Baylor Genetics
Classification: Pathogenic for Breast-ovarian cancer, familial, susceptibility to, 4. Last evaluated: 2023-10-30. Review status: criteria provided, single submitter. Criteria: ACMG Guidelines, 2015. Collection method: clinical testing. Allele origin: unknown.

GeneDx
Classification: Pathogenic. Last evaluated: 2023-06-05. Review status: criteria provided, single submitter. Criteria: GeneDx Variant Classification Process June 2021. Collection method: clinical testing. Allele origin: germline. Affected: yes.
Comment: Nonsense variant predicted to result in protein truncation or nonsense mediated decay in a gene for which loss-of-function is a known mechanism of disease; Not observed at a significant frequency in large population cohorts (gnomAD); This variant is associated with the following publications: (PMID: 27191893, 21822267, 23372765, 26057125, 26556299, 25445424, 33804961, 32107557)

Sema4
Classification: Pathogenic for Hereditary cancer-predisposing syndrome. Last evaluated: 2021-11-19. Review status: criteria provided, single submitter. Criteria: Sema4 Curation Guidelines. Collection method: curation. Allele origin: germline.
Comment: The RAD51D c.803G>A (p.W268*) variant has been reported in heterozygosity in at least 3 individuals with ovarian cancer and/or lung cancer (PMID: 21822267, 26556299, 23372765). This nonsense variant creates a premature stop codon at residue 268 of the RAD51D protein. This alteration is expected to result in loss of function by premature protein truncation or nonsense-mediated mRNA decay. Loss-of-function variants in RAD51D are known to be pathogenic (PMID: 21822267). This variant was observed in 2/113730 chromosomes in the European (non-Finnish) population, according to the Genome Aggregation Database (PMID: 32461654). This variant has been reported in ClinVar (Variation ID: 410552). Based on the current evidence available, this variant is interpreted as pathogenic.

OMIM
Classification: risk factor for BREAST-OVARIAN CANCER, FAMILIAL, SUSCEPTIBILITY TO, 4. Last evaluated: 2011-08-07. Review status: no assertion criteria provided. Collection method: literature only. Allele origin: germline. Not counted in ClinVar's aggregate classification.

Literature cited by the submitters: PubMed 21822267 (cited by 10 submitters); PubMed 23372765 (cited by 6 submitters); PubMed 32359370 (cited by Variantyx, Inc. and Institute for Genomic Medicine (IGM) Clinical Laboratory, Nationwide Children's Hospital); PubMed 33047316 (cited by Quest Diagnostics Nichols Institute San Juan Capistrano); PubMed 34326862 (cited by Quest Diagnostics Nichols Institute San Juan Capistrano); PubMed 34887416 (cited by Quest Diagnostics Nichols Institute San Juan Capistrano); PubMed 32107557 (cited by Quest Diagnostics Nichols Institute San Juan Capistrano); PubMed 33471991 (cited by Quest Diagnostics Nichols Institute San Juan Capistrano); PubMed 25445424 (cited by Quest Diagnostics Nichols Institute San Juan Capistrano and Color Diagnostics, LLC DBA Color Health); PubMed 26556299 (cited by Quest Diagnostics Nichols Institute San Juan Capistrano and Sema4); PubMed 37628581 (cited by Institute for Genomic Medicine (IGM) Clinical Laboratory, Nationwide Children's Hospital); PubMed 37444530 (cited by Institute for Genomic Medicine (IGM) Clinical Laboratory, Nationwide Children's Hospital).

NM_002878.4(RAD51D):c.803G>A (p.Trp268Ter)

Genes: RAD51D (RAD51 paralog D; minus strand), RAD51L3-RFFL (RAD51L3-RFFL readthrough; minus strand). Cytogenetic location: 17q12.
Variant type: single nucleotide variant.
Coding change: c.803G>A on transcript NM_002878.4 (MANE Select); coding-DNA position 803, G replaced by A.
Protein change: p.Trp268Ter; replaces tryptophan 268 with a stop codon.
Molecular consequence: nonsense. On other transcripts: non-coding transcript variant (3).
Genome position (GRCh38, 1-based): chr17:35,101,301, C>T on the plus strand (G>A on the coding strand, the complement: RAD51D is on the minus strand). VCF-style: chr17-35101301-C-T. GRCh37 (hg19) VCF-style: chr17-33428320-C-T.
Other names: c.863G>A, p.Trp288Ter (NM_001142571.2); c.467G>A, p.Trp156Ter (NM_133629.3); short protein forms W268*, W288*, W156*.
Identifiers: ClinVar variation 410552 (VCV000410552.32), dbSNP rs750219200, ClinGen allele CA501240.
Genomic context (GRCh38, chr17:35,101,301, plus strand): 5'-CCTGATGCTCCTGCTCCCTCGATGGTGTCCAGGAGAATCCGAGTGCTGGGCACAAAGCTC[C>T]AGGAGCGTCCGAGGGCAGGTTTGAGCCTCCCGCTGTCCCTGTCTCGAGTTATGTGGTTGG-3'